The following is an entry in ClinVar:

NM_013275.6(ANKRD11):c.5875G>A (p.Ala1959Thr)

Gene: ANKRD11 (ankyrin repeat domain 11; minus strand). Cytogenetic location: 16q24.3.
Variant type: single nucleotide variant.
Coding change: c.5875G>A on transcript NM_013275.6 (MANE Select); coding-DNA position 5875, G replaced by A.
Protein change: p.Ala1959Thr; replaces alanine 1959 with threonine.
Molecular consequence: missense variant.
Genome position (GRCh38, 1-based): chr16:89,280,667, C>T on the plus strand (G>A on the coding strand, the complement: ANKRD11 is on the minus strand). VCF-style: chr16-89280667-C-T. GRCh37 (hg19) VCF-style: chr16-89347075-C-T.
Other names: c.5875G>A, p.Ala1959Thr (NM_001256182.2, NM_001256183.2); short protein forms A1959T.
Identifiers: ClinVar variation 588875 (VCV000588875.16), dbSNP rs372148958, ClinGen allele CA286511129.
Genomic context (GRCh38, chr16:89,280,667, plus strand): 5'-GGTCCGAGCCCACAGGCCAGCTCACAGGGTTTTCAGAGGTGCCCCCGATCAGGCTAGAGG[C>T]AAGCGCCTGCTCGGAGGGGTGGGCCCACTCAACGGGCTCCTCGGTGATGACGGCGCTGAA-3'
Protein context (NP_037407.4, residues 1949-1969): EWAHPSEQAL[Ala1959Thr]SSLIGGTSEN

ClinVar aggregate classification (germline): Uncertain significance. Review status: criteria provided, multiple submitters, no conflicts (2 of 4 stars). 3 submissions from 3 submitters: Uncertain significance (3). Last evaluated 2025-07-19.

Conditions:
Inborn genetic diseases. Identifiers: MedGen C0950123, MeSH D030342.
KBG syndrome (KBGS). Also called: ANKRD11-Related KBG Syndrome. Identifiers: Orphanet 2332, MedGen C0220687, MONDO:0007846, OMIM 148050.

Allele frequency attached by ClinVar (database versions not stated): TOPMed 0.00002; ESP Exome Variant Server 0.00016.
gnomAD v4.1: 5 of 1,613,296 alleles (0.00031%); highest among the groups gnomAD compares: East Asian, 0.0022%; no homozygotes.

Submissions (3):

Labcorp Genetics (formerly Invitae), Labcorp
Classification: Uncertain significance for KBG syndrome. Last evaluated: 2025-07-19. Review status: criteria provided, single submitter. Criteria: Invitae Variant Classification Sherloc (09022015). Collection method: clinical testing. Allele origin: germline.
Comment: This sequence change replaces alanine, which is neutral and non-polar, with threonine, which is neutral and polar, at codon 1959 of the ANKRD11 protein (p.Ala1959Thr). This variant is not present in population databases (gnomAD no frequency). This variant has not been reported in the literature in individuals affected with ANKRD11-related conditions. ClinVar contains an entry for this variant (Variation ID: 588875). Invitae Evidence Modeling of protein sequence and biophysical properties (such as structural, functional, and spatial information, amino acid conservation, physicochemical variation, residue mobility, and thermodynamic stability) indicates that this missense variant is not expected to disrupt ANKRD11 protein function with a negative predictive value of 95%. In summary, the available evidence is currently insufficient to determine the role of this variant in disease. Therefore, it has been classified as a Variant of Uncertain Significance.

GeneDx
Classification: Uncertain significance. Last evaluated: 2021-06-14. Review status: criteria provided, single submitter. Criteria: GeneDx Variant Classification Process June 2021. Collection method: clinical testing. Allele origin: germline. Affected: yes.
Comment: Not observed at significant frequency in large population cohorts (Lek et al., 2016); In silico analysis supports that this missense variant does not alter protein structure/function; Has not been previously published as pathogenic or benign to our knowledge; This variant is associated with the following publications: (PMID: 27535533)

Ambry Genetics
Classification: Uncertain significance for Inborn genetic diseases. Last evaluated: 2017-03-10. Review status: criteria provided, single submitter. Criteria: Ambry Variant Classification Scheme 2023. Collection method: clinical testing. Allele origin: germline.
Comment: The p.A1959T variant (also known as c.5875G>A), located in coding exon 7 of the ANKRD11 gene, results from a G to A substitution at nucleotide position 5875. The alanine at codon 1959 is replaced by threonine, an amino acid with similar properties. This amino acid position is poorly conserved in available vertebrate species. In addition, this alteration is predicted to be tolerated by in silico analysis. Since supporting evidence is limited at this time, the clinical significance of this variant remains unclear.